The following is an entry in ClinVar:

NM_005219.5(DIAPH1):c.2145TCC[2] (p.Pro719del)

Gene: DIAPH1 (diaphanous related formin 1; minus strand). Cytogenetic location: 5q31.3.
Variant type: Microsatellite.
Coding change: c.2145TCC[2] on transcript NM_005219.5 (MANE Select); two copies in a row of the 3-base unit TCC starting at c.2145; the reference has three copies in a row; one copy, 3 bases deleted.
Protein change: p.Pro719del; deletes proline 719.
Molecular consequence: inframe deletion.
Genome position (GRCh38, 1-based): chr5:141,573,697-141,573,699, GGA deleted on the plus strand (TCC on the coding strand, the reverse complement: DIAPH1 is on the minus strand); deleting any 3 consecutive bases within chr5:141,573,697-141,573,707 gives the same sequence; the position shown is the placement nearest the transcript's 3' end. VCF-style (leftmost placement, unchanged base first): chr5-141573696-GGGA-G. GRCh37 (hg19) VCF-style: chr5-140953263-GGGA-G.
Other names: c.2118TCC[2], p.Pro710del (NM_001079812.3); c.2145TCC[2], p.Pro719del (NM_001314007.2); short protein forms P710del, P719del.
Identifiers: ClinVar variation 2061622 (VCV002061622.4), dbSNP rs747273584, ClinGen allele CA3479145.
Genomic context (GRCh38, chr5:141,573,696, plus strand): 5'-AATGCCAGGGCCTCCGGGAAATGGAGGAGGTGGAGGGATTCCAGGACCACCAGGAAGAGG[GGGA>G]GGAGGAGGTGGCATTCCTGCTTCTCCAGGCAAGGGAGGAGGTGGGGGGGGAATTCCAGCA-3'

ClinVar aggregate classification (germline): Uncertain significance (1 of 4 stars; one submission).

Conditions:
Progressive microcephaly-seizures-cortical blindness-developmental delay syndrome. Also called: Seizures, cortical blindness, and microcephaly syndrome. Identifiers: Orphanet 477814, MedGen C5567650, MONDO:0014714, OMIM 616632.
Autosomal dominant nonsyndromic hearing loss 1. Also called: KONIGSMARK SYNDROME; DEAFNESS, AUTOSOMAL DOMINANT 1, WITH OR WITHOUT THROMBOCYTOPENIA. Identifiers: Orphanet 90635, MedGen C1852282, MONDO:0007424, OMIM 124900.

Submission:

Labcorp Genetics (formerly Invitae), Labcorp
Classification: Uncertain significance for Progressive microcephaly-seizures-cortical blindness-developmental delay syndrome; Autosomal dominant nonsyndromic hearing loss 1. Last evaluated: 2025-01-06. Review status: criteria provided, single submitter. Criteria: Invitae Variant Classification Sherloc (09022015). Collection method: clinical testing. Allele origin: germline.
Comment: This variant, c.2151_2153del, results in the deletion of 1 amino acid(s) of the DIAPH1 protein (p.Pro719del), but otherwise preserves the integrity of the reading frame. This variant is present in population databases (rs747273584, gnomAD 0.02%). This variant has not been reported in the literature in individuals affected with DIAPH1-related conditions. Experimental studies and prediction algorithms are not available or were not evaluated, and the functional significance of this variant is currently unknown. In summary, the available evidence is currently insufficient to determine the role of this variant in disease. Therefore, it has been classified as a Variant of Uncertain Significance.